The following is an entry in ClinVar:

ClinVar aggregate classification (germline): Uncertain significance (1 of 4 stars; one submission).

Submission:

CeGaT Center for Human Genetics Tuebingen
Classification: Uncertain significance. Last evaluated: 2023-09-01. Review status: criteria provided, single submitter. Criteria: CeGaT Center For Human Genetics Tuebingen Variant Classification Criteria Version 2. Collection method: clinical testing. Allele origin: germline. Affected: yes. Observed: 1 variant allele.
Comment: ALG13: PM2, BP4

NM_001099922.3(ALG13):c.1228T>C (p.Tyr410His)

Gene: ALG13 (ALG13 UDP-N-acetylglucosaminyltransferase subunit; plus strand). Cytogenetic location: Xq23.
Variant type: single nucleotide variant.
Coding change: c.1228T>C on transcript NM_001099922.3 (MANE Select); coding-DNA position 1228, T replaced by C.
Protein change: p.Tyr410His; replaces tyrosine 410 with histidine.
Molecular consequence: missense variant. On other transcripts: non-coding transcript variant (1).
Genome position (GRCh38, 1-based): chrX:111,718,252, T>C. VCF-style: chrX-111718252-T-C. GRCh37 (hg19) VCF-style: chrX-110961480-T-C.
Other names: c.916T>C, p.Tyr306His (NM_001257230.2, NM_001257234.2, NM_001257237.2 and 1 more transcripts); c.994T>C, p.Tyr332His (NM_001257231.2); c.1228T>C, p.Tyr410His (NM_001324292.2); short protein forms Y306H, Y332H, Y410H.
Identifiers: ClinVar variation 2661211 (VCV002661211.22), dbSNP rs2525745613, ClinGen allele CA414251160.
Genomic context (GRCh38, chrX:111,718,252, plus strand): 5'-AGTGGTTCTAAGAAGAACAGAAATAATGCTGTAACTGGAAGCGAGGATGCCCATACTGAT[T>C]ACAAGAGTTCAAATCAGAATAGGTAATAAAGGGAAAGGGGATATCATGATAATTATGTTT-3'
Protein context (NP_001093392.1, residues 400-420): VTGSEDAHTD[Tyr410His]KSSNQNRMEE